The following is an entry in ClinVar:

ClinVar aggregate classification (germline): Benign (1 of 4 stars; one submission).

Allele frequency attached by ClinVar (database versions not stated): gnomAD 0.30998 and 0.31920; TOPMed 0.33788; 1000 Genomes Project 30x 0.43364; 1000 Genomes Project 0.44429.
gnomAD v4.1: 48,448 of 152,008 alleles (32%); highest among the groups gnomAD compares: East Asian, 83%; 8,796 homozygotes.

Submission:

GeneDx
Classification: Benign. Last evaluated: 2018-06-18. Review status: criteria provided, single submitter. Criteria: GeneDx Variant Classification (06012015). Collection method: clinical testing. Allele origin: germline. Affected: yes.
Comment: This variant is considered likely benign or benign based on one or more of the following criteria: it is a conservative change, it occurs at a poorly conserved position in the protein, it is predicted to be benign by multiple in silico algorithms, and/or has population frequency not consistent with disease.

NM_001482.3(GATM):c.288+252T>G

Gene: GATM (glycine amidinotransferase; minus strand). Cytogenetic location: 15q21.1.
Variant type: single nucleotide variant.
Coding change: c.288+252T>G on transcript NM_001482.3 (MANE Select); 252 bases into the intron after coding-DNA position 288, T replaced by G.
Molecular consequence: intron variant.
Genome position (GRCh38, 1-based): chr15:45,376,349, A>C on the plus strand (T>G on the coding strand, the complement: GATM is on the minus strand). VCF-style: chr15-45376349-A-C. GRCh37 (hg19) VCF-style: chr15-45668547-A-C.
Other names: c.-100+252T>G (NM_001321015.2).
Identifiers: ClinVar variation 684069 (VCV000684069.1), dbSNP rs66528868, ClinGen allele CA14099767.